The following is an entry in ClinVar:

NM_181332.3(NLGN4X):c.2005C>T (p.Arg669Ter)

Gene: NLGN4X (neuroligin 4 X-linked; minus strand). Cytogenetic location: Xp22.32.
Variant type: single nucleotide variant.
Coding change: c.2005C>T on transcript NM_181332.3 (MANE Select); coding-DNA position 2005, C replaced by T.
Protein change: p.Arg669Ter; replaces arginine 669 with a stop codon.
Molecular consequence: nonsense.
Genome position (GRCh38, 1-based): chrX:5,893,263, G>A on the plus strand (C>T on the coding strand, the complement: NLGN4X is on the minus strand). VCF-style: chrX-5893263-G-A. GRCh37 (hg19) VCF-style: chrX-5811304-G-A.
Other names: c.2005C>T, p.Arg669Ter (NM_001282145.2, NM_001282146.2, NM_020742.4); short protein forms R669*.
Identifiers: ClinVar variation 1215906 (VCV001215906.7), dbSNP rs759923715, ClinGen allele CA412013211.

ClinVar aggregate classification (germline): Uncertain significance (1 of 4 stars; one submission).

Submission:

GeneDx
Classification: Uncertain significance. Last evaluated: 2025-09-10. Review status: criteria provided, single submitter. Criteria: GeneDx Variant Classification Process June 2021. Collection method: clinical testing. Allele origin: germline. Affected: yes.
Comment: Not observed at significant frequency in large population cohorts (gnomAD); Nonsense variant predicted to result in protein truncation as the last 148 amino acid(s) are lost; Has not been previously published as pathogenic or benign to our knowledge